The following is an entry in ClinVar:

NM_006946.4(SPTBN2):c.3796G>T (p.Ala1266Ser)

Gene: SPTBN2 (spectrin beta, non-erythrocytic 2; minus strand). Cytogenetic location: 11q13.2.
Variant type: single nucleotide variant.
Coding change: c.3796G>T on transcript NM_006946.4 (MANE Select); coding-DNA position 3796, G replaced by T.
Protein change: p.Ala1266Ser; replaces alanine 1266 with serine.
Molecular consequence: missense variant.
Genome position (GRCh38, 1-based): chr11:66,699,063, C>A on the plus strand (G>T on the coding strand, the complement: SPTBN2 is on the minus strand). VCF-style: chr11-66699063-C-A. GRCh37 (hg19) VCF-style: chr11-66466534-C-A.
Other names: c.3817G>T, p.Ala1273Ser (NM_001411025.1); c.3796G>T (NM_006946.2); short protein forms A1266S, A1273S.
Identifiers: ClinVar variation 2837232 (VCV002837232.4), dbSNP rs367573336, ClinGen allele CA381471733.

ClinVar aggregate classification (germline): Uncertain significance. Review status: criteria provided, multiple submitters, no conflicts (2 of 4 stars). 2 submissions from 2 submitters: Uncertain significance (2). Last evaluated 2024-02-21.

Conditions:
Inborn genetic diseases. Identifiers: MedGen C0950123, MeSH D030342.

gnomAD v4.1: 2 of 1,614,196 alleles (0.00012%); highest among the groups gnomAD compares: Non-Finnish European, 0.00017%; no homozygotes.

Submissions (2):

Ambry Genetics
Classification: Uncertain significance for Inborn genetic diseases. Last evaluated: 2024-02-21. Review status: criteria provided, single submitter. Criteria: Ambry Variant Classification Scheme 2023. Collection method: clinical testing. Allele origin: germline.

Labcorp Genetics (formerly Invitae), Labcorp
Classification: Uncertain significance. Last evaluated: 2023-02-14. Review status: criteria provided, single submitter. Criteria: Invitae Variant Classification Sherloc (09022015). Collection method: clinical testing. Allele origin: germline.
Comment: In summary, the available evidence is currently insufficient to determine the role of this variant in disease. Therefore, it has been classified as a Variant of Uncertain Significance. Advanced modeling of protein sequence and biophysical properties (such as structural, functional, and spatial information, amino acid conservation, physicochemical variation, residue mobility, and thermodynamic stability) performed at Invitae indicates that this missense variant is not expected to disrupt SPTBN2 protein function. This variant has not been reported in the literature in individuals affected with SPTBN2-related conditions. This variant is not present in population databases (gnomAD no frequency). This sequence change replaces alanine, which is neutral and non-polar, with serine, which is neutral and polar, at codon 1266 of the SPTBN2 protein (p.Ala1266Ser).